The following is an entry in ClinVar:

NM_001853.4(COL9A3):c.1132C>T (p.Arg378Cys)

Gene: COL9A3 (collagen type IX alpha 3 chain; plus strand). Cytogenetic location: 20q13.33.
Variant type: single nucleotide variant.
Coding change: c.1132C>T on transcript NM_001853.4 (MANE Select); coding-DNA position 1132, C replaced by T.
Protein change: p.Arg378Cys; replaces arginine 378 with cysteine.
Molecular consequence: missense variant.
Genome position (GRCh38, 1-based): chr20:62,829,790, C>T. VCF-style: chr20-62829790-C-T. GRCh37 (hg19) VCF-style: chr20-61461142-C-T.
Other names: c.1132C>T (NM_001853.3); short protein forms R378C.
Identifiers: ClinVar variation 1488529 (VCV001488529.8), dbSNP rs1291377583, ClinGen allele CA409593715.

ClinVar aggregate classification (germline): Uncertain significance. Review status: criteria provided, multiple submitters, no conflicts (2 of 4 stars). 3 submissions from 3 submitters: Uncertain significance (3). Last evaluated 2026-01-06.

Conditions:
COL9A3-related disorder. Also called: COL9A3-related condition.

Allele frequency attached by ClinVar (database versions not stated): gnomAD 0.00001; gnomAD exomes 0.00001; TOPMed 0.00001.
gnomAD v4.1: 17 of 1,584,972 alleles (0.0011%); highest among the groups gnomAD compares: Admixed American, 0.0036%; no homozygotes.

Submissions (3):

Labcorp Genetics (formerly Invitae), Labcorp
Classification: Uncertain significance. Last evaluated: 2026-01-06. Review status: criteria provided, single submitter. Criteria: Invitae Variant Classification Sherloc (09022015). Collection method: clinical testing. Allele origin: germline.
Comment: This sequence change replaces arginine, which is basic and polar, with cysteine, which is neutral and slightly polar, at codon 378 of the COL9A3 protein (p.Arg378Cys). The frequency data for this variant in the population databases is considered unreliable, as metrics indicate poor data quality at this position in the gnomAD database. This missense change has been observed in individual(s) with COL9A3-related conditions (PMID: 38374194). ClinVar contains an entry for this variant (Variation ID: 1488529). Invitae Evidence Modeling of protein sequence and biophysical properties (such as structural, functional, and spatial information, amino acid conservation, physicochemical variation, residue mobility, and thermodynamic stability) indicates that this missense variant is not expected to disrupt COL9A3 protein function with a negative predictive value of 95%. In summary, the available evidence is currently insufficient to determine the role of this variant in disease. Therefore, it has been classified as a Variant of Uncertain Significance.

PreventionGenetics, part of Exact Sciences
Classification: Uncertain significance for COL9A3-related condition. Last evaluated: 2025-04-28. Review status: criteria provided, single submitter. Criteria: ACMG Guidelines, 2015. Collection method: clinical testing. Allele origin: germline.
Comment: The COL9A3 c.1132C>T variant is predicted to result in the amino acid substitution p.Arg378Cys. This variant was reported in the heterozygous state in an individual with muscular abnormalities, early teething, and a hypopigmented skin patch; that individual was also homozygous for a frameshift variant in COL6A2 that the authors interpreted as a variant of uncertain significance (Supplementary Table 2, Abolhassani et al. 2024. PubMed ID: 38374194). This variant is reported in 0.0066% of alleles in individuals of East Asian descent in gnomAD. At this time, the clinical significance of this variant is uncertain due to the absence of conclusive functional and genetic evidence.

Blueprint Genetics
Classification: Uncertain significance. Last evaluated: 2024-07-09. Review status: criteria provided, single submitter. Criteria: ACMG Guidelines, 2015. Collection method: clinical testing. Allele origin: germline.

Literature cited by the submitters: PubMed 38374194 (cited by Labcorp Genetics (formerly Invitae), Labcorp).